The following is an entry in ClinVar:

ClinVar aggregate classification (germline): Conflicting classifications of pathogenicity. Review status: criteria provided, conflicting classifications (1 of 4 stars). 2 submissions from 2 submitters: Uncertain significance (1); Likely benign (1). Last evaluated 2026-07-10.

Conditions:
Hereditary cancer-predisposing syndrome. Also called: Hereditary Cancer Syndrome; Hereditary neoplastic syndrome; Neoplastic Syndromes, Hereditary; Tumor predisposition. Identifiers: Orphanet 140162, MedGen C0027672, MeSH D009386, MONDO:0015356.
Renal cell carcinoma. Identifiers: Orphanet 217071, MedGen C0007134, MeSH D002292, MONDO:0005086, HP:0005584.

Submissions (2):

Ambry Genetics
Classification: Likely benign for Hereditary cancer-predisposing syndrome. Last evaluated: 2026-07-10. Review status: criteria provided, single submitter. Criteria: Ambry Variant Classification Scheme 2023. Collection method: clinical testing. Allele origin: germline.

Labcorp Genetics (formerly Invitae), Labcorp
Classification: Uncertain significance for Renal cell carcinoma. Last evaluated: 2025-08-29. Review status: criteria provided, single submitter. Criteria: Invitae Variant Classification Sherloc (09022015). Collection method: clinical testing. Allele origin: germline.
Comment: This sequence change replaces glycine, which is neutral and non-polar, with glutamic acid, which is acidic and polar, at codon 1137 of the MET protein (p.Gly1137Glu). This variant is not present in population databases (gnomAD no frequency). This variant has not been reported in the literature in individuals affected with MET-related conditions. Invitae Evidence Modeling of protein sequence and biophysical properties (such as structural, functional, and spatial information, amino acid conservation, physicochemical variation, residue mobility, and thermodynamic stability) indicates that this missense variant is not expected to disrupt MET protein function with a negative predictive value of 80%. In summary, the available evidence is currently insufficient to determine the role of this variant in disease. Therefore, it has been classified as a Variant of Uncertain Significance.

NM_000245.4(MET):c.3356G>A (p.Gly1119Glu)

Gene: MET (MET proto-oncogene, receptor tyrosine kinase; plus strand). Cytogenetic location: 7q31.2.
Variant type: single nucleotide variant.
Coding change: c.3356G>A on transcript NM_000245.4 (MANE Select); coding-DNA position 3356, G replaced by A.
Protein change: p.Gly1119Glu; replaces glycine 1119 with glutamic acid.
Molecular consequence: missense variant.
Genome position (GRCh38, 1-based): chr7:116,778,791, G>A. VCF-style: chr7-116778791-G-A. GRCh37 (hg19) VCF-style: chr7-116418845-G-A.
Other names: c.3410G>A, p.Gly1137Glu (NM_001127500.3); c.2066G>A, p.Gly689Glu (NM_001324402.2); short protein forms G1137E, G689E, G1119E.
Identifiers: ClinVar variation 4695343 (VCV004695343.2).
Genomic context (GRCh38, chr7:116,778,791, plus strand): 5'-ACTGTTCCATAATGAAGTTAATGTCTCCACCACTGGATTTCTCAGGAATCACTGACATAG[G>A]AGAAGTTTCCCAATTTCTGACCGAGGGAATCATCATGAAAGATTTTAGTCATCCCAATGT-3'
Protein context (NP_000236.2, residues 1109-1129): VKSLNRITDI[Gly1119Glu]EVSQFLTEGI